The following is an entry in ClinVar:

ClinVar aggregate classification (germline): Uncertain significance (1 of 4 stars; one submission).

Conditions:
Lethal congenital glycogen storage disease of heart. Also called: GLYCOGEN STORAGE DISEASE OF HEART; PHOSPHORYLASE KINASE DEFICIENCY OF HEART. Identifiers: Orphanet 439854, MedGen C1849813, MONDO:0009867, OMIM 261740.

Allele frequency attached by ClinVar (database versions not stated): gnomAD exomes below 0.00001.
gnomAD v4.1: 1 of 1,614,050 alleles (0.000062%); highest among the groups gnomAD compares: Non-Finnish European, 0.000085%; no homozygotes.

Submission:

Labcorp Genetics (formerly Invitae), Labcorp
Classification: Uncertain significance for Lethal congenital glycogen storage disease of heart. Last evaluated: 2023-04-18. Review status: criteria provided, single submitter. Criteria: Invitae Variant Classification Sherloc (09022015). Collection method: clinical testing. Allele origin: germline.
Comment: This sequence change replaces methionine, which is neutral and non-polar, with threonine, which is neutral and polar, at codon 262 of the PRKAG2 protein (p.Met262Thr). In summary, the available evidence is currently insufficient to determine the role of this variant in disease. Therefore, it has been classified as a Variant of Uncertain Significance. Advanced modeling of protein sequence and biophysical properties (such as structural, functional, and spatial information, amino acid conservation, physicochemical variation, residue mobility, and thermodynamic stability) performed at Invitae indicates that this missense variant is not expected to disrupt PRKAG2 protein function. This variant has not been reported in the literature in individuals affected with PRKAG2-related conditions. This variant is not present in population databases (gnomAD no frequency).

NM_016203.4(PRKAG2):c.785T>C (p.Met262Thr)

Gene: PRKAG2 (protein kinase AMP-activated non-catalytic subunit gamma 2; minus strand). Cytogenetic location: 7q36.1.
Variant type: single nucleotide variant.
Coding change: c.785T>C on transcript NM_016203.4 (MANE Select); coding-DNA position 785, T replaced by C.
Protein change: p.Met262Thr; replaces methionine 262 with threonine.
Molecular consequence: missense variant.
Genome position (GRCh38, 1-based): chr7:151,595,424, A>G on the plus strand (T>C on the coding strand, the complement: PRKAG2 is on the minus strand). VCF-style: chr7-151595424-A-G. GRCh37 (hg19) VCF-style: chr7-151292510-A-G.
Other names: c.653T>C, p.Met218Thr (NM_001040633.2, NM_001407024.1); c.410T>C, p.Met137Thr (NM_001304527.2, NM_001407029.1); c.62T>C, p.Met21Thr (NM_001304531.2, NM_001407034.1, NM_001407035.1 and 1 more transcripts); c.413T>C, p.Met138Thr (NM_001363698.2, NM_001407028.1); c.785T>C, p.Met262Thr (NM_001407021.1); c.782T>C, p.Met261Thr (NM_001407022.1, NM_001407023.1); c.650T>C, p.Met217Thr (NM_001407026.1, NM_001407027.1); c.497T>C, p.Met166Thr (NM_001407030.1); and 6 more; short protein forms M20T, M262T, M138T, M165T, M261T, M154T, M217T, M218T.
Identifiers: ClinVar variation 2857346 (VCV002857346.3), dbSNP rs2536587559, ClinGen allele CA370069481.